The following is an entry in ClinVar:

NM_003320.5(TUB):c.156-9C>T

Gene: TUB (TUB bipartite transcription factor; plus strand). Cytogenetic location: 11p15.4.
Variant type: single nucleotide variant.
Coding change: c.156-9C>T on transcript NM_003320.5; 9 bases into the intron before coding-DNA position 156, C replaced by T.
Molecular consequence: intron variant.
Genome position (GRCh38, 1-based): chr11:8,039,636, C>T. VCF-style: chr11-8039636-C-T. GRCh37 (hg19) VCF-style: chr11-8061183-C-T.
Other names: c.56+20278C>T (NM_001440540.1, NM_001440542.1, NM_001440538.1 and 1 more transcripts).
Identifiers: ClinVar variation 3029458 (VCV003029458.2), dbSNP rs746976650, ClinGen allele CA5870846.

ClinVar aggregate classification (germline): Likely benign (0 of 4 stars; one submission).

Conditions:
TUB-related disorder. Also called: TUB-related condition.

Allele frequency attached by ClinVar (database versions not stated): TOPMed below 0.00001; gnomAD exomes 0.00001; gnomAD 0.00001.
gnomAD v4.1: 16 of 1,483,340 alleles (0.0011%); highest among the groups gnomAD compares: Non-Finnish European, 0.0013%; no homozygotes.

Submission:

PreventionGenetics, part of Exact Sciences
Classification: Likely benign for TUB-related condition. Last evaluated: 2022-09-16. Review status: no assertion criteria provided. Collection method: clinical testing. Allele origin: germline.
Comment: This variant is classified as likely benign based on ACMG/AMP sequence variant interpretation guidelines (Richards et al. 2015 PMID: 25741868, with internal and published modifications).